The following is an entry in ClinVar:

NM_018896.5(CACNA1G):c.1557G>A (p.Pro519=)

Gene: CACNA1G (calcium voltage-gated channel subunit alpha1 G; plus strand). Cytogenetic location: 17q21.33.
Variant type: single nucleotide variant.
Coding change: c.1557G>A on transcript NM_018896.5 (MANE Select); coding-DNA position 1557, G replaced by A.
Protein change: p.Pro519=; no amino-acid change (proline 519 retained).
Molecular consequence: synonymous variant. On other transcripts: non-coding transcript variant (5).
Genome position (GRCh38, 1-based): chr17:50,575,959, G>A. VCF-style: chr17-50575959-G-A. GRCh37 (hg19) VCF-style: chr17-48653320-G-A.
Other names: c.1557G>A, p.Pro519= (NM_001256324.2, NM_001256325.2, NM_001256326.2 and 24 more transcripts).
Identifiers: ClinVar variation 2919049 (VCV002919049.5), dbSNP rs372969545, ClinGen allele CA8652194.
Genomic context (GRCh38, chr17:50,575,959, plus strand): 5'-CCACCATCACCACCACTACCACCTGGGCAATGGGACGCTCAGGGCCCCCCGGGCCAGCCC[G>A]GAGATCCAGGACAGGGATGCCAATGGGTCCCGCCGGCTCATGCTGCCACCACCCTCGACG-3'
Protein context (NP_061496.2, residues 509-529): NGTLRAPRAS[Pro519=]EIQDRDANGS

ClinVar aggregate classification (germline): Likely benign. Review status: criteria provided, multiple submitters, no conflicts (2 of 4 stars). 3 submissions from 3 submitters: Likely benign (3). Last evaluated 2026-09-01.

Allele frequency attached by ClinVar (database versions not stated): ESP Exome Variant Server 0.00008; gnomAD exomes 0.00015; gnomAD 0.00017; TOPMed 0.00026.
gnomAD v4.1: 257 of 1,551,216 alleles (0.017%); highest among the groups gnomAD compares: Admixed American, 0.035%; no homozygotes.

Submissions (3):

CeGaT Center for Human Genetics Tuebingen
Classification: Likely benign. Last evaluated: 2026-09-01. Review status: criteria provided, single submitter. Criteria: CeGaT Center For Human Genetics Tuebingen Variant Classification Criteria Version 2. Collection method: clinical testing. Allele origin: germline. Affected: yes. Observed: 1 variant allele.
Comment: CACNA1G: BP4, BP7

Blueprint Genetics
Classification: Likely benign. Last evaluated: 2024-10-23. Review status: criteria provided, single submitter. Criteria: ACMG Guidelines, 2015. Collection method: clinical testing. Allele origin: germline.

Labcorp Genetics (formerly Invitae), Labcorp
Classification: Likely benign. Last evaluated: 2023-06-29. Review status: criteria provided, single submitter. Criteria: Invitae Variant Classification Sherloc (09022015). Collection method: clinical testing. Allele origin: germline.